The following is an entry in ClinVar:

ClinVar aggregate classification (germline): Uncertain significance (1 of 4 stars; one submission).

Allele frequency attached by ClinVar (database versions not stated): gnomAD exomes 0.00001; gnomAD 0.00007; TOPMed 0.00015.
gnomAD v4.1: 13 of 1,548,564 alleles (0.00084%); highest among the groups gnomAD compares: Admixed American, 0.026%; no homozygotes.

Submission:

Labcorp Genetics (formerly Invitae), Labcorp
Classification: Uncertain significance. Last evaluated: 2021-05-16. Review status: criteria provided, single submitter. Criteria: Invitae Variant Classification Sherloc (09022015). Collection method: clinical testing. Allele origin: germline.
Comment: In summary, the available evidence is currently insufficient to determine the role of this variant in disease. Therefore, it has been classified as a Variant of Uncertain Significance. Algorithms developed to predict the effect of missense changes on protein structure and function (SIFT, PolyPhen-2, Align-GVGD) all suggest that this variant is likely to be tolerated, but these predictions have not been confirmed by published functional studies and their clinical significance is uncertain. This variant has been observed in individual(s) with clinical features of PACS2-related conditions (Invitae). This variant is not present in population databases (ExAC no frequency). This sequence change replaces serine with arginine at codon 464 of the PACS2 protein (p.Ser464Arg). The serine residue is weakly conserved and there is a moderate physicochemical difference between serine and arginine.

NM_001100913.3(PACS2):c.1392C>G (p.Ser464Arg)

Gene: PACS2 (phosphofurin acidic cluster sorting protein 2; plus strand). Cytogenetic location: 14q32.33.
Variant type: single nucleotide variant.
Coding change: c.1392C>G on transcript NM_001100913.3 (MANE Select); coding-DNA position 1392, C replaced by G.
Protein change: p.Ser464Arg; replaces serine 464 with arginine.
Molecular consequence: missense variant.
Genome position (GRCh38, 1-based): chr14:105,382,037, C>G. VCF-style: chr14-105382037-C-G. GRCh37 (hg19) VCF-style: chr14-105848374-C-G.
Other names: c.1167C>G, p.Ser389Arg (NM_001243127.3); c.1392C>G, p.Ser464Arg (NM_015197.4); short protein forms S389R, S464R.
Identifiers: ClinVar variation 1491375 (VCV001491375.8), dbSNP rs1410234606, ClinGen allele CA391181897.